The following is an entry in ClinVar:

NM_001182.5(ALDH7A1):c.1567A>G (p.Thr523Ala)

Gene: ALDH7A1 (aldehyde dehydrogenase 7 family member A1; minus strand). Cytogenetic location: 5q23.2.
Variant type: single nucleotide variant.
Coding change: c.1567A>G on transcript NM_001182.5 (MANE Select); coding-DNA position 1567, A replaced by G.
Protein change: p.Thr523Ala; replaces threonine 523 with alanine.
Molecular consequence: missense variant.
Genome position (GRCh38, 1-based): chr5:126,545,018, T>C on the plus strand (A>G on the coding strand, the complement: ALDH7A1 is on the minus strand). VCF-style: chr5-126545018-T-C. GRCh37 (hg19) VCF-style: chr5-125880710-T-C.
Other names: p.T523A:ACT>GCT; c.1483A>G, p.Thr495Ala (NM_001201377.2); c.1375A>G, p.Thr459Ala (NM_001202404.2); short protein forms T523A, T459A, T495A.
Identifiers: ClinVar variation 194825 (VCV000194825.75), dbSNP rs61757684, ClinGen allele CA302781.

ClinVar aggregate classification (germline): Benign/Likely benign. Review status: criteria provided, multiple submitters, no conflicts (2 of 4 stars). 17 submissions from 17 submitters: Benign (5); Likely benign (10). 2 of the submissions do not count toward it. Last evaluated 2026-03-01.

Conditions:
Inborn genetic diseases. Identifiers: MedGen C0950123, MeSH D030342.
Pyridoxine-dependent epilepsy (EPEO4). Also called: Pyridoxine-Dependent Seizures; PYRIDOXINE DEPENDENCY WITH SEIZURES; Pyridoxine-Dependent Epilepsy - ALDH7A1; EPILEPSY, EARLY-ONSET, 4, VITAMIN B6-DEPENDENT. Identifiers: Orphanet 3006, MedGen C1849508, MONDO:0009945, OMIM 266100. Disease mechanism: loss of function.

Allele frequency attached by ClinVar (database versions not stated): gnomAD exomes 0.00564 and 0.00448; ESP Exome Variant Server 0.00569; 1000 Genomes Project 30x 0.00109; 1000 Genomes Project 0.00120; TOPMed 0.00370; gnomAD 0.00449; ExAC 0.00450.
gnomAD v4.1: 8,733 of 1,604,892 alleles (0.54%); highest among the groups gnomAD compares: Non-Finnish European, 0.59%; 28 homozygotes.

Submissions (17):

CeGaT Center for Human Genetics Tuebingen
Classification: Likely benign. Last evaluated: 2026-03-01. Review status: criteria provided, single submitter. Criteria: CeGaT Center For Human Genetics Tuebingen Variant Classification Criteria Version 2. Collection method: clinical testing. Allele origin: germline. Affected: yes. Observed: 22 variant alleles.
Comment: ALDH7A1: BS2

Labcorp Genetics (formerly Invitae), Labcorp
Classification: Benign for Pyridoxine-dependent epilepsy. Last evaluated: 2026-02-03. Review status: criteria provided, single submitter. Criteria: Invitae Variant Classification Sherloc (09022015). Collection method: clinical testing. Allele origin: germline.

Blueprint Genetics
Classification: Likely benign. Last evaluated: 2024-11-19. Review status: criteria provided, single submitter. Criteria: ACMG Guidelines, 2015. Collection method: clinical testing. Allele origin: germline.

ARUP Laboratories, Molecular Genetics and Genomics, ARUP Laboratories
Classification: Likely benign for Pyridoxine-dependent epilepsy. Last evaluated: 2024-05-09. Review status: criteria provided, single submitter. Criteria: ARUP Molecular Germline Variant Investigation Process 2024. Collection method: clinical testing. Allele origin: germline.

Genome-Nilou Lab
Classification: Benign for Pyridoxine-dependent epilepsy. Last evaluated: 2023-04-11. Review status: criteria provided, single submitter. Criteria: ACMG Guidelines, 2015. Collection method: clinical testing. Allele origin: germline. Affected: no.

Athena Diagnostics
Classification: Likely benign. Last evaluated: 2019-04-25. Review status: criteria provided, single submitter. Criteria: Athena Diagnostics Criteria. Collection method: clinical testing. Allele origin: germline.

Illumina Laboratory Services, Illumina
Classification: Likely benign for Pyridoxine-dependent epilepsy. Last evaluated: 2018-01-13. Review status: criteria provided, single submitter. Criteria: ICSL Variant Classification Criteria 13 December 2019. Collection method: clinical testing. Allele origin: germline.
Comment: This variant was observed in the ICSL laboratory as part of a predisposition screen in an ostensibly healthy population. It had not been previously curated by ICSL or reported in the Human Gene Mutation Database (HGMD: prior to June 1st, 2018), and was therefore a candidate for classification through an automated scoring system. Utilizing variant allele frequency, disease prevalence and penetrance estimates, and inheritance mode, an automated score was calculated to assess if this variant is too frequent to cause the disease. Based on the score and internal cut-off values, a variant classified as likely benign is not then subjected to further curation. The score for this variant resulted in a classification of likely benign for this disease.

Center for Pediatric Genomic Medicine, Children's Mercy Hospital and Clinics
Classification: Likely benign. Last evaluated: 2017-01-09. Review status: criteria provided, single submitter. Criteria: ACMG Guidelines, 2015. Collection method: clinical testing. Allele origin: germline.
ClinVar note: Converted during submission from Likely Benign to Likely benign.

GeneDx
Classification: Benign. Last evaluated: 2016-08-03. Review status: criteria provided, single submitter. Criteria: GeneDx Variant Classification (06012015). Collection method: clinical testing. Allele origin: germline. Affected: yes.
Comment: This variant is considered likely benign or benign based on one or more of the following criteria: it is a conservative change, it occurs at a poorly conserved position in the protein, it is predicted to be benign by multiple in silico algorithms, and/or has population frequency not consistent with disease.

Ambry Genetics
Classification: Benign for Inborn genetic diseases. Last evaluated: 2016-07-13. Review status: criteria provided, single submitter. Criteria: Ambry Variant Classification Scheme 2023. Collection method: clinical testing. Allele origin: germline.

Genetic Services Laboratory, University of Chicago
Classification: Benign. Last evaluated: 2015-08-19. Review status: criteria provided, single submitter. Criteria: ACMG Guidelines, 2015. Collection method: clinical testing. Allele origin: germline. Affected: no.

Genome Diagnostics Laboratory, University Medical Center Utrecht
Classification: Likely benign for Pyridoxine-dependent epilepsy. Last evaluated: 2015-03-31. Review status: criteria provided, single submitter. Criteria: ACGS Guidelines, 2013. Collection method: clinical testing. Allele origin: germline. Affected: yes. Study: VKGL Data-share Consensus.

Eurofins Ntd Llc (ga)
Classification: Likely benign. Last evaluated: 2014-08-18. Review status: criteria provided, single submitter. Criteria: EGL Classification Definitions 2015. Collection method: clinical testing. Allele origin: germline. Observed: 1 variant allele, 1 heterozygote.

Breakthrough Genomics
Classification: Likely benign. Review status: criteria provided, single submitter. Criteria: ACMG Guidelines, 2015. Collection method: not provided. Allele origin: germline. Inheritance: Autosomal recessive inheritance. Affected: yes.

PreventionGenetics, part of Exact Sciences
Classification: Likely benign. Review status: criteria provided, single submitter. Criteria: ACMG Guidelines, 2015. Collection method: clinical testing. Allele origin: germline.

Clinical Genetics, Academic Medical Center
Classification: Likely benign. Review status: no assertion criteria provided. Collection method: clinical testing. Allele origin: germline. Affected: yes. Study: VKGL Data-share Consensus. Not counted in ClinVar's aggregate classification.

Diagnostic Laboratory, Department of Genetics, University Medical Center Groningen
Classification: Likely benign for Pyridoxine-dependent epilepsy. Review status: no assertion criteria provided. Collection method: clinical testing. Allele origin: germline. Affected: yes. Study: VKGL Data-share Consensus. Not counted in ClinVar's aggregate classification.